The following is an entry in ClinVar:

NM_015089.4(CUL9):c.4934G>A (p.Arg1645His)

Gene: CUL9 (cullin 9; plus strand). Cytogenetic location: 6p21.1.
Variant type: single nucleotide variant.
Coding change: c.4934G>A on transcript NM_015089.4 (MANE Select); coding-DNA position 4934, G replaced by A.
Protein change: p.Arg1645His; replaces arginine 1645 with histidine.
Molecular consequence: missense variant.
Genome position (GRCh38, 1-based): chr6:43,206,147, G>A. VCF-style: chr6-43206147-G-A. GRCh37 (hg19) VCF-style: chr6-43173885-G-A.
Other names: c.4934G>A (NM_015089.3); short protein forms R1645H.
Identifiers: ClinVar variation 2591991 (VCV002591991.4), dbSNP rs368997213, ClinGen allele CA3818258.
Genomic context (GRCh38, chr6:43,206,147, plus strand): 5'-TTCCCAACCGCCTCCCACAGCTGATGCTGCAGAGCCTGAGCACCTCTGAGGAGCTGCAGC[G>A]CCAGTTCCACCTCTTCCAGCTCCAGCGGCTCGACAAGTTGTTCTTGGAGCAGGAAGATGA-3'
Protein context (NP_055904.1, residues 1635-1655): QSLSTSEELQ[Arg1645His]QFHLFQLQRL

ClinVar aggregate classification (germline): Uncertain significance. Review status: criteria provided, single submitter (1 of 4 stars). 2 submissions from 2 submitters: Uncertain significance (1). 1 of the submissions does not count toward it. Last evaluated 2023-09-08.

Conditions:
CUL9-related disorder. Also called: CUL9-related condition.

Allele frequency attached by ClinVar (database versions not stated): TOPMed 0.00007; ESP Exome Variant Server 0.00008; gnomAD 0.00027; gnomAD exomes 0.00048; ExAC 0.00124; 1000 Genomes Project 30x 0.00172; 1000 Genomes Project 0.00180.

Submissions (2):

Ambry Genetics
Classification: Uncertain significance. Last evaluated: 2023-09-08. Review status: criteria provided, single submitter. Criteria: Ambry Variant Classification Scheme 2023. Collection method: clinical testing. Allele origin: germline.

PreventionGenetics, part of Exact Sciences
Classification: Benign for CUL9-related condition. Last evaluated: 2019-11-16. Review status: no assertion criteria provided. Collection method: clinical testing. Allele origin: germline. Not counted in ClinVar's aggregate classification.
Comment: This variant is classified as benign based on ACMG/AMP sequence variant interpretation guidelines (Richards et al. 2015 PMID: 25741868, with internal and published modifications).